The following is an entry in ClinVar:

ClinVar aggregate classification (germline): Uncertain significance (1 of 4 stars; one submission).

Submission:

GeneDx
Classification: Uncertain significance. Last evaluated: 2023-07-03. Review status: criteria provided, single submitter. Criteria: GeneDx Variant Classification Process June 2021. Collection method: clinical testing. Allele origin: germline. Affected: yes.
Comment: Not observed at significant frequency in large population cohorts (gnomAD); In silico analysis supports that this missense variant has a deleterious effect on protein structure/function; Has not been previously published as pathogenic or benign to our knowledge

NM_001257293.2(HNRNPH1):c.352C>T (p.Leu118Phe)

Genes: HNRNPH1 (heterogeneous nuclear ribonucleoprotein H1; minus strand), LOC128966623 (uncharacterized LOC128966623; plus strand). Cytogenetic location: 5q35.3.
Variant type: single nucleotide variant.
Coding change: c.352C>T on transcript NM_001257293.2 (MANE Select); coding-DNA position 352, C replaced by T.
Protein change: p.Leu118Phe; replaces leucine 118 with phenylalanine.
Molecular consequence: missense variant. On other transcripts: 5 prime UTR variant (7).
Genome position (GRCh38, 1-based): chr5:179,620,937, G>A on the plus strand (C>T on the coding strand, the complement: HNRNPH1 is on the minus strand). VCF-style: chr5-179620937-G-A. GRCh37 (hg19) VCF-style: chr5-179047938-G-A.
Other names: c.352C>T, p.Leu118Phe (NM_001363572.2, NM_001364225.2, NM_001364226.2 and 39 more transcripts); c.196C>T, p.Leu66Phe (NM_001364250.2); c.-113C>T (NM_001364251.2, NM_001364252.2, NM_001364253.2 and 4 more transcripts); c.121C>T, p.Leu41Phe (NM_001395190.1); short protein forms L118F, L41F, L66F.
Identifiers: ClinVar variation 3360763 (VCV003360763.1).